The following is an entry in ClinVar:

NM_001330288.2(SMARCC2):c.1429C>T (p.Pro477Ser)

Gene: SMARCC2 (SWI/SNF related BAF chromatin remodeling complex subunit C2; minus strand). Cytogenetic location: 12q13.2.
Variant type: single nucleotide variant.
Coding change: c.1429C>T on transcript NM_001330288.2 (MANE Select); coding-DNA position 1429, C replaced by T.
Protein change: p.Pro477Ser; replaces proline 477 with serine.
Molecular consequence: missense variant.
Genome position (GRCh38, 1-based): chr12:56,174,718, G>A on the plus strand (C>T on the coding strand, the complement: SMARCC2 is on the minus strand). VCF-style: chr12-56174718-G-A. GRCh37 (hg19) VCF-style: chr12-56568502-G-A.
Other names: c.1429C>T, p.Pro477Ser (NM_001130420.3, NM_003075.5, NM_139067.4); short protein forms P477S.
Identifiers: ClinVar variation 4687047 (VCV004687047.1).

ClinVar aggregate classification (germline): Uncertain significance (1 of 4 stars; one submission).

Submission:

GeneDx
Classification: Uncertain significance. Last evaluated: 2025-07-26. Review status: criteria provided, single submitter. Criteria: GeneDx Variant Classification Process June 2021. Collection method: clinical testing. Allele origin: germline. Affected: yes.
Comment: Not observed at significant frequency in large population cohorts (gnomAD); In silico analysis supports that this missense variant has a deleterious effect on protein structure/function; Has not been previously published as pathogenic or benign to our knowledge